The following is an entry in ClinVar:

ClinVar aggregate classification (germline): Conflicting classifications of pathogenicity. Review status: criteria provided, conflicting classifications (1 of 4 stars). 3 submissions from 3 submitters: Likely pathogenic (1); Uncertain significance (2). Last evaluated 2024-05-01.

Conditions:
Autosomal recessive limb-girdle muscular dystrophy type 2D (LGMDR3). Also called: DUCHENNE-LIKE AUTOSOMAL RECESSIVE MUSCULAR DYSTROPHY, TYPE 2; MUSCULAR DYSTROPHY, LIMB-GIRDLE, AUTOSOMAL RECESSIVE 3; ADHALINOPATHY, PRIMARY. Identifiers: Orphanet 62, MedGen C2936332, MONDO:0011968, OMIM 608099. Disease mechanism: Affects gamma-sarcoglycan and also disrupts the integrity of the entire sarcoglycan complex..

Allele frequency attached by ClinVar (database versions not stated): gnomAD exomes below 0.00001.
gnomAD v4.1: 3 of 1,614,016 alleles (0.00019%); highest among the groups gnomAD compares: African/African-American, 0.0013%; no homozygotes.

Submissions (3):

Women's Health and Genetics/Laboratory Corporation of America, LabCorp
Classification: Uncertain significance. Last evaluated: 2024-05-01. Review status: criteria provided, single submitter. Criteria: LabCorp Variant Classification Summary - May 2015. Collection method: clinical testing. Allele origin: germline.
Comment: Variant summary: SGCA c.623C>T (p.Thr208Ile) results in a non-conservative amino acid change located in the Sarcoglycan alpha/epsilon second domain (IPR048347) of the encoded protein sequence. Three of five in-silico tools predict a damaging effect of the variant on protein function. The variant was absent in 251340 control chromosomes. The available data on variant occurrences in the general population are insufficient to allow any conclusion about variant significance. c.623C>T has been reported in the literature in an individual affected with Limb-Girdle Muscular Dystrophy, Autosomal Recessive (Tragelsi_2008). These data do not allow any conclusion about variant significance. To our knowledge, no experimental evidence demonstrating an impact on protein function has been reported. The following publication have been ascertained in the context of this evaluation (PMID: 18285821). ClinVar contains an entry for this variant (Variation ID: 285736). Based on the evidence outlined above, the variant was classified as uncertain significance.

Baylor Genetics
Classification: Likely pathogenic for Autosomal recessive limb-girdle muscular dystrophy type 2D. Last evaluated: 2024-02-28. Review status: criteria provided, single submitter. Criteria: ACMG Guidelines, 2015. Collection method: clinical testing. Allele origin: unknown.

Eurofins Ntd Llc (ga)
Classification: Uncertain significance. Last evaluated: 2016-01-23. Review status: criteria provided, single submitter. Criteria: EGL Classification Definitions 2015. Collection method: clinical testing. Allele origin: germline. Observed: 1 variant allele, 1 heterozygote.

Literature cited by the submitters: PubMed 18285821 (cited by Women's Health and Genetics/Laboratory Corporation of America, LabCorp).

NM_000023.4(SGCA):c.623C>T (p.Thr208Ile)

Gene: SGCA (sarcoglycan alpha; plus strand). Cytogenetic location: 17q21.33.
Variant type: single nucleotide variant.
Coding change: c.623C>T on transcript NM_000023.4 (MANE Select); coding-DNA position 623, C replaced by T.
Protein change: p.Thr208Ile; replaces threonine 208 with isoleucine.
Molecular consequence: missense variant. On other transcripts: non-coding transcript variant (1), intron variant (1).
Genome position (GRCh38, 1-based): chr17:50,169,130, C>T. VCF-style: chr17-50169130-C-T. GRCh37 (hg19) VCF-style: chr17-48246491-C-T.
Other names: c.584+558C>T (NM_001135697.3); short protein forms T208I.
Identifiers: ClinVar variation 285736 (VCV000285736.7), dbSNP rs886043193, ClinGen allele CA10605223.